The following is an entry in ClinVar:

NM_176869.3(PPA2):c.862A>G (p.Ile288Val)

Gene: PPA2 (inorganic pyrophosphatase 2; minus strand). Cytogenetic location: 4q24.
Variant type: single nucleotide variant.
Coding change: c.862A>G on transcript NM_176869.3 (MANE Select); coding-DNA position 862, A replaced by G.
Protein change: p.Ile288Val; replaces isoleucine 288 with valine.
Molecular consequence: missense variant.
Genome position (GRCh38, 1-based): chr4:105,396,256, T>C on the plus strand (A>G on the coding strand, the complement: PPA2 is on the minus strand). VCF-style: chr4-105396256-T-C. GRCh37 (hg19) VCF-style: chr4-106317413-T-C.
Other names: c.775A>G, p.Ile259Val (NM_006903.4); c.556A>G, p.Ile186Val (NM_176866.2); c.364A>G, p.Ile122Val (NM_176867.3); short protein forms I186V, I288V, I122V, I259V.
Identifiers: ClinVar variation 1447011 (VCV001447011.6), dbSNP rs150216244, ClinGen allele CA3032403.

ClinVar aggregate classification (germline): Uncertain significance (1 of 4 stars; one submission).

Allele frequency attached by ClinVar (database versions not stated): gnomAD exomes 0.00001 and 0.00005; ExAC 0.00002; gnomAD 0.00003; TOPMed 0.00003; ESP Exome Variant Server 0.00023.
gnomAD v4.1: 68 of 1,569,590 alleles (0.0043%); highest among the groups gnomAD compares: Non-Finnish European, 0.0056%; no homozygotes.

Submission:

Labcorp Genetics (formerly Invitae), Labcorp
Classification: Uncertain significance. Last evaluated: 2022-06-10. Review status: criteria provided, single submitter. Criteria: Invitae Variant Classification Sherloc (09022015). Collection method: clinical testing. Allele origin: germline.
Comment: This sequence change replaces isoleucine, which is neutral and non-polar, with valine, which is neutral and non-polar, at codon 288 of the PPA2 protein (p.Ile288Val). This variant is present in population databases (rs150216244, gnomAD 0.004%). This variant has not been reported in the literature in individuals affected with PPA2-related conditions. Algorithms developed to predict the effect of missense changes on protein structure and function are either unavailable or do not agree on the potential impact of this missense change (SIFT: "Tolerated"; PolyPhen-2: "Probably Damaging"; Align-GVGD: "Class C0"). In summary, the available evidence is currently insufficient to determine the role of this variant in disease. Therefore, it has been classified as a Variant of Uncertain Significance.